The following is an entry in ClinVar:

ClinVar aggregate classification (germline): Uncertain significance. Review status: criteria provided, multiple submitters, no conflicts (2 of 4 stars). 3 submissions from 3 submitters: Uncertain significance (2). 1 of the submissions does not count toward it. Last evaluated 2026-07-01.

Conditions:
TTN-related disorder. Also called: TTN-related disorders; TTN-related condition; TTN-related disease.
Dilated cardiomyopathy 1G (CMD1G). Identifiers: Orphanet 154, MedGen C1858763, MONDO:0011400, OMIM 604145.
Autosomal recessive limb-girdle muscular dystrophy type 2J (LGMDR10). Also called: Limb-girdle muscular dystrophy, type 2J; MUSCULAR DYSTROPHY, LIMB-GIRDLE, AUTOSOMAL RECESSIVE 10. Identifiers: Orphanet 140922, MedGen C1837342, MONDO:0012127, OMIM 608807.

Allele frequency attached by ClinVar (database versions not stated): gnomAD 0.00006.

Submissions (3):

CeGaT Center for Human Genetics Tuebingen
Classification: Uncertain significance. Last evaluated: 2026-07-01. Review status: criteria provided, single submitter. Criteria: CeGaT Center For Human Genetics Tuebingen Variant Classification Criteria Version 2. Collection method: clinical testing. Allele origin: germline. Affected: yes. Observed: 2 variant alleles.

Labcorp Genetics (formerly Invitae), Labcorp
Classification: Uncertain significance for Dilated cardiomyopathy 1G; Autosomal recessive limb-girdle muscular dystrophy type 2J. Last evaluated: 2017-02-21. Review status: criteria provided, single submitter. Criteria: Invitae Variant Classification Sherloc (09022015). Collection method: clinical testing. Allele origin: germline.

PreventionGenetics, part of Exact Sciences
Classification: Uncertain significance for TTN-related condition. Last evaluated: 2024-08-13. Review status: no assertion criteria provided. Collection method: clinical testing. Allele origin: germline. Not counted in ClinVar's aggregate classification.
Comment: The TTN c.37099C>G variant is predicted to result in the amino acid substitution p.Pro12367Ala. To our knowledge, this variant has not been reported in the literature. This variant is reported in 0.0073% of alleles in individuals of European (Non-Finnish) descent in gnomAD. This variant falls within a highly paralogous region, and therefore allele frequency data should be interpreted with caution. At this time, the clinical significance of this variant is uncertain due to the absence of conclusive functional and genetic evidence.

NM_001267550.2(TTN):c.37099C>G (p.Pro12367Ala)

Gene: TTN (titin; minus strand). Cytogenetic location: 2q31.2.
Variant type: single nucleotide variant.
Coding change: c.37099C>G on transcript NM_001267550.2 (MANE Select); coding-DNA position 37099, C replaced by G.
Protein change: p.Pro12367Ala; replaces proline 12367 with alanine.
Molecular consequence: missense variant. On other transcripts: intron variant (5).
Genome position (GRCh38, 1-based): chr2:178,662,163, G>C on the plus strand (C>G on the coding strand, the complement: TTN is on the minus strand). VCF-style: chr2-178662163-G-C. GRCh37 (hg19) VCF-style: chr2-179526890-G-C.
Other names: c.13283-19846C>G (NM_003319.4); c.13859-19846C>G (NM_133437.4); c.13658-19846C>G (NM_133432.3); c.31573+803C>G (NM_133378.4); c.34354+803C>G (NM_001256850.1); short protein forms P12367A.
Identifiers: ClinVar variation 467077 (VCV000467077.27), dbSNP rs973940125, ClinGen allele CA60973232.